The following is an entry in ClinVar:

NM_001367624.2(ZNF469):c.7584G>C (p.Lys2528Asn)

Gene: ZNF469 (zinc finger protein 469; plus strand). Cytogenetic location: 16q24.2.
Variant type: single nucleotide variant.
Coding change: c.7584G>C on transcript NM_001367624.2 (MANE Select); coding-DNA position 7584, G replaced by C.
Protein change: p.Lys2528Asn; replaces lysine 2528 with asparagine.
Molecular consequence: missense variant.
Genome position (GRCh38, 1-based): chr16:88,435,054, G>C. VCF-style: chr16-88435054-G-C. GRCh37 (hg19) VCF-style: chr16-88501462-G-C.
Other names: NM_001127464.1:c.7500G>C; NM_001127464.2:c.7500G>C; short protein forms K2528N.
Identifiers: ClinVar variation 1497453 (VCV001497453.5), dbSNP rs1425572620, ClinGen allele CA397113235.
Genomic context (GRCh38, chr16:88,435,054, plus strand): 5'-GGCCTTGCCTGCTCAGCAGCCTCTAGAGCCCCTAGCCCAAAAGTGCCAGCCGCCCAGGAA[G>C]AAAAGCCACAGGGTGTCTGGGAAGGAGAGACCAAATCACTCACGGGGAGACCCCAGCCAC-3'
Protein context (NP_001354553.1, residues 2518-2538): PLAQKCQPPR[Lys2528Asn]KSHRVSGKER

ClinVar aggregate classification (germline): Conflicting classifications of pathogenicity. Review status: criteria provided, conflicting classifications (1 of 4 stars). 3 submissions from 3 submitters: Uncertain significance (2); Likely benign (1). Last evaluated 2025-04-28.

Conditions:
ZNF469-related disorder. Also called: ZNF469-related condition.
Cardiovascular phenotype. Identifiers: MedGen CN230736.

Allele frequency attached by ClinVar (database versions not stated): gnomAD exomes below 0.00001 and 0.00003; gnomAD 0.00001; TOPMed 0.00001.
gnomAD v4.1: 8 of 1,549,308 alleles (0.00052%); highest among the groups gnomAD compares: East Asian, 0.015%; no homozygotes.

Submissions (3):

PreventionGenetics, part of Exact Sciences
Classification: Uncertain significance for ZNF469-related condition. Last evaluated: 2025-04-28. Review status: criteria provided, single submitter. Criteria: ACMG Guidelines, 2015. Collection method: clinical testing. Allele origin: germline.
Comment: The ZNF469 c.7500G>C variant is predicted to result in the amino acid substitution p.Lys2500Asn. To our knowledge, this variant has not been reported in the literature. This variant is present in 0.048% of alleles in individuals of East Asian descent in gnomAD. At this time, the clinical significance of this variant is uncertain due to the absence of conclusive functional and genetic evidence.

Ambry Genetics
Classification: Likely benign for Cardiovascular phenotype. Last evaluated: 2024-06-21. Review status: criteria provided, single submitter. Criteria: Ambry Variant Classification Scheme 2023. Collection method: clinical testing. Allele origin: germline.

Labcorp Genetics (formerly Invitae), Labcorp
Classification: Uncertain significance. Last evaluated: 2022-07-06. Review status: criteria provided, single submitter. Criteria: Invitae Variant Classification Sherloc (09022015). Collection method: clinical testing. Allele origin: germline.
Comment: This sequence change replaces lysine, which is basic and polar, with asparagine, which is neutral and polar, at codon 2500 of the ZNF469 protein (p.Lys2500Asn). This variant is present in population databases (no rsID available, gnomAD 0.05%). This variant has not been reported in the literature in individuals affected with ZNF469-related conditions. ClinVar contains an entry for this variant (Variation ID: 1497453). Algorithms developed to predict the effect of missense changes on protein structure and function are either unavailable or do not agree on the potential impact of this missense change (SIFT: "Deleterious"; PolyPhen-2: "Benign"; Align-GVGD: "Class C0"). In summary, the available evidence is currently insufficient to determine the role of this variant in disease. Therefore, it has been classified as a Variant of Uncertain Significance.